The following is an entry in ClinVar:

NM_000018.4(ACADVL):c.1077+1G>C

Gene: ACADVL (acyl-CoA dehydrogenase very long chain; plus strand). Cytogenetic location: 17p13.1.
Variant type: single nucleotide variant.
Coding change: c.1077+1G>C on transcript NM_000018.4 (MANE Select); the canonical splice donor site of the intron after coding-DNA position 1077, G replaced by C.
Molecular consequence: splice donor variant.
Genome position (GRCh38, 1-based): chr17:7,222,866, G>C. VCF-style: chr17-7222866-G-C. GRCh37 (hg19) VCF-style: chr17-7126185-G-C.
Other names: c.1146+1G>C (NM_001270447.2); c.849+1G>C (NM_001270448.2); c.1011+1G>C (NM_001033859.3).
Identifiers: ClinVar variation 4850269 (VCV004850269.1).

ClinVar aggregate classification (germline): Likely pathogenic (1 of 4 stars; one submission).

Conditions:
Very long chain acyl-CoA dehydrogenase deficiency (ACADVLD). Also called: VLCAD Deficiency; Very Long-Chain Acyl-Coenzyme A Dehydrogenase Deficiency. Identifiers: Orphanet 26793, MedGen C3887523, MONDO:0008723, OMIM 201475.

Submission:

First Genomix Gene Laboratory, Genetic Diagnostics Department
Classification: Likely pathogenic for Very long chain acyl-CoA dehydrogenase deficiency. Last evaluated: 2025-09-03. Review status: criteria provided, single submitter. Criteria: ACMG Guidelines, 2015. Collection method: clinical testing. Allele origin: germline. Inheritance: Autosomal recessive inheritance. Affected: no. Observed: 1 variant allele.